The following is an entry in ClinVar:

ClinVar aggregate classification (germline): Benign (1 of 4 stars; one submission).

Conditions:
Birt-Hogg-Dube syndrome 1 (BHD1). Also called: FIBROFOLLICULOMAS WITH TRICHODISCOMAS AND ACROCHORDONS. Identifiers: Orphanet 122, MedGen CN375946, MONDO:0800445, OMIM 135150.

gnomAD v4.1: 1 of 1,613,974 alleles (0.000062%); highest among the groups gnomAD compares: Non-Finnish European, 0.000085%; no homozygotes.

Submission:

Myriad Genetics, Inc.
Classification: Benign for Birt-Hogg-Dube syndrome 1. Last evaluated: 2024-10-22. Review status: criteria provided, single submitter. Criteria: Myriad Autosomal Dominant, Autosomal Recessive and X-Linked Classification Criteria (2023). Collection method: clinical testing. Allele origin: unknown.
Comment: This variant is considered benign. This variant is a silent/synonymous amino acid change and it is not expected to impact splicing.

NM_144997.7(FLCN):c.387G>C (p.Leu129=)

Gene: FLCN (folliculin; minus strand). Cytogenetic location: 17p11.2.
Variant type: single nucleotide variant.
Coding change: c.387G>C on transcript NM_144997.7 (MANE Select); coding-DNA position 387, G replaced by C.
Protein change: p.Leu129=; no amino-acid change (leucine 129 retained).
Molecular consequence: synonymous variant.
Genome position (GRCh38, 1-based): chr17:17,226,185, C>G on the plus strand (G>C on the coding strand, the complement: FLCN is on the minus strand). VCF-style: chr17-17226185-C-G. GRCh37 (hg19) VCF-style: chr17-17129499-C-G.
Other names: c.387G>C, p.Leu129= (NM_001353229.2, NM_001353230.2, NM_001353231.2 and 1 more transcripts).
Identifiers: ClinVar variation 3773288 (VCV003773288.1).
Genomic context (GRCh38, chr17:17,226,185, plus strand): 5'-TGGGAGCATGTGGGCTCCCACAGAGACAGGCTCTGTGGCCACAAGGCTCACCTCACAGCT[C>G]AGGCTCCGGACACAGGCCTGGCGGACAATGCTGAAGAGCTGGGGGTGGCTGGGGTGCTGG-3'
Protein context (NP_659434.2, residues 119-139): SIVRQACVRS[Leu129=]SCEVCPGREG